The following is an entry in ClinVar:

NM_015915.5(ATL1):c.481G>T (p.Ala161Ser)

Gene: ATL1 (atlastin GTPase 1; plus strand). Cytogenetic location: 14q22.1.
Variant type: single nucleotide variant.
Coding change: c.481G>T on transcript NM_015915.5 (MANE Select); coding-DNA position 481, G replaced by T.
Protein change: p.Ala161Ser; replaces alanine 161 with serine.
Molecular consequence: missense variant.
Genome position (GRCh38, 1-based): chr14:50,591,598, G>T. VCF-style: chr14-50591598-G-T. GRCh37 (hg19) VCF-style: chr14-51058316-G-T.
Other names: c.481G>T, p.Ala161Ser (NM_001127713.1, NM_181598.4); short protein forms A161S.
Identifiers: ClinVar variation 446866 (VCV000446866.12), dbSNP rs1555363969, ClinGen allele CA389667492.

ClinVar aggregate classification (germline): Conflicting classifications of pathogenicity. Review status: criteria provided, conflicting classifications (1 of 4 stars). 3 submissions from 3 submitters: Likely pathogenic (2); Uncertain significance (1). Last evaluated 2025-11-05.

Conditions:
Hereditary spastic paraplegia 3A (SPG3A). Also called: Spastic Paraplegia 3A; Spastic paraplegia 3A, autosomal dominant; SPASTIC PARAPLEGIA 3, AUTOSOMAL DOMINANT; FAMILIAL SPASTIC PARAPLEGIA, AUTOSOMAL DOMINANT, 1; SPG3; STRUMPELL DISEASE. Identifiers: Orphanet 100984, MedGen C2931355, MONDO:0008437, OMIM 182600.

Submissions (3):

Labcorp Genetics (formerly Invitae), Labcorp
Classification: Likely pathogenic for Hereditary spastic paraplegia 3A. Last evaluated: 2025-11-05. Review status: criteria provided, single submitter. Criteria: Invitae Variant Classification Sherloc (09022015). Collection method: clinical testing. Allele origin: germline.
Comment: This sequence change replaces alanine, which is neutral and non-polar, with serine, which is neutral and polar, at codon 161 of the ATL1 protein (p.Ala161Ser). This variant is not present in population databases (gnomAD no frequency). This missense change has been observed in individuals with autosomal dominant hereditary spastic paraplegia (internal data). ClinVar contains an entry for this variant (Variation ID: 446866). Invitae Evidence Modeling of protein sequence and biophysical properties (such as structural, functional, and spatial information, amino acid conservation, physicochemical variation, residue mobility, and thermodynamic stability) has been performed for this missense variant. However, the output from this modeling did not meet the statistical confidence thresholds required to predict the impact of this variant on ATL1 protein function. This variant disrupts the p.Ala161 amino acid residue in ATL1. Other variant(s) that disrupt this residue have been determined to be pathogenic (PMID: 23684613; internal data). This suggests that this residue is clinically significant, and that variants that disrupt this residue are likely to be disease-causing. In summary, the currently available evidence indicates that the variant is pathogenic, but additional data are needed to prove that conclusively. Therefore, this variant has been classified as Likely Pathogenic.

GeneDx
Classification: Likely pathogenic. Last evaluated: 2025-05-23. Review status: criteria provided, single submitter. Criteria: GeneDx Variant Classification Process June 2021. Collection method: clinical testing. Allele origin: germline. Affected: yes.
Comment: Not observed at significant frequency in large population cohorts (gnomAD); In silico analysis supports that this missense variant has a deleterious effect on protein structure/function; Has not been previously published as pathogenic or benign to our knowledge

Athena Diagnostics
Classification: Uncertain significance. Last evaluated: 2016-10-07. Review status: criteria provided, single submitter. Criteria: Athena Diagnostics Criteria. Collection method: clinical testing. Allele origin: germline.

Literature cited by the submitters: PubMed 23684613 (cited by Labcorp Genetics (formerly Invitae), Labcorp).